The following is an entry in ClinVar:

NM_198506.5(LRIT3):c.1306A>G (p.Met436Val)

Gene: LRIT3 (leucine rich repeat, Ig-like and transmembrane domains 3; plus strand). Cytogenetic location: 4q25.
Variant type: single nucleotide variant.
Coding change: c.1306A>G on transcript NM_198506.5 (MANE Select); coding-DNA position 1306, A replaced by G.
Protein change: p.Met436Val; replaces methionine 436 with valine.
Molecular consequence: missense variant.
Genome position (GRCh38, 1-based): chr4:109,870,055, A>G. VCF-style: chr4-109870055-A-G. GRCh37 (hg19) VCF-style: chr4-110791211-A-G.
Other names: short protein forms M436V.
Identifiers: ClinVar variation 1011381 (VCV001011381.5), dbSNP rs1005809681, ClinGen allele CA103712234.

ClinVar aggregate classification (germline): Uncertain significance (1 of 4 stars; one submission).

Submission:

Labcorp Genetics (formerly Invitae), Labcorp
Classification: Uncertain significance. Last evaluated: 2020-06-02. Review status: criteria provided, single submitter. Criteria: Invitae Variant Classification Sherloc (09022015). Collection method: clinical testing. Allele origin: germline.
Comment: Algorithms developed to predict the effect of missense changes on protein structure and function output the following: SIFT: "Tolerated"; PolyPhen-2: "Benign"; Align-GVGD: "Class C0". The valine amino acid residue is found in multiple mammalian species, suggesting that this missense change does not adversely affect protein function. These predictions have not been confirmed by published functional studies and their clinical significance is uncertain. This sequence change replaces methionine with valine at codon 436 of the LRIT3 protein (p.Met436Val). The methionine residue is weakly conserved and there is a small physicochemical difference between methionine and valine. This variant is not present in population databases (ExAC no frequency). This variant has not been reported in the literature in individuals with LRIT3-related conditions. In summary, the available evidence is currently insufficient to determine the role of this variant in disease. Therefore, it has been classified as a Variant of Uncertain Significance.